The following is an entry in ClinVar:

ClinVar aggregate classification (germline): Uncertain significance. Review status: criteria provided, multiple submitters, no conflicts (2 of 4 stars). 2 submissions from 2 submitters: Uncertain significance (2). Last evaluated 2025-03-07.

Conditions:
Inborn genetic diseases. Identifiers: MedGen C0950123, MeSH D030342.

gnomAD v4.1: 149 of 1,613,810 alleles (0.0092%); highest among the groups gnomAD compares: Non-Finnish European, 0.0081%; 1 homozygote.

Submissions (2):

Ambry Genetics
Classification: Uncertain significance for Inborn genetic diseases. Last evaluated: 2025-03-07. Review status: criteria provided, single submitter. Criteria: Ambry Variant Classification Scheme 2023. Collection method: clinical testing. Allele origin: germline.

Labcorp Genetics (formerly Invitae), Labcorp
Classification: Uncertain significance. Last evaluated: 2024-05-29. Review status: criteria provided, single submitter. Criteria: Invitae Variant Classification Sherloc (09022015). Collection method: clinical testing. Allele origin: germline.
Comment: This sequence change replaces phenylalanine, which is neutral and non-polar, with serine, which is neutral and polar, at codon 90 of the INTU protein (p.Phe90Ser). This variant is present in population databases (rs200990813, gnomAD 0.05%). This variant has not been reported in the literature in individuals affected with INTU-related conditions. Advanced modeling of protein sequence and biophysical properties (such as structural, functional, and spatial information, amino acid conservation, physicochemical variation, residue mobility, and thermodynamic stability) has been performed at Invitae for this missense variant, however the output from this modeling did not meet the statistical confidence thresholds required to predict the impact of this variant on INTU protein function. In summary, the available evidence is currently insufficient to determine the role of this variant in disease. Therefore, it has been classified as a Variant of Uncertain Significance.

NM_015693.4(INTU):c.269T>C (p.Phe90Ser)

Gene: INTU (inturned planar cell polarity protein; plus strand). Cytogenetic location: 4q28.1.
Variant type: single nucleotide variant.
Coding change: c.269T>C on transcript NM_015693.4 (MANE Select); coding-DNA position 269, T replaced by C.
Protein change: p.Phe90Ser; replaces phenylalanine 90 with serine.
Molecular consequence: missense variant.
Genome position (GRCh38, 1-based): chr4:127,643,643, T>C. VCF-style: chr4-127643643-T-C. GRCh37 (hg19) VCF-style: chr4-128564798-T-C.
Other names: c.269T>C (NM_015693.3); short protein forms F90S.
Identifiers: ClinVar variation 3710928 (VCV003710928.3).